The following is an entry in ClinVar:

NM_002206.3(ITGA7):c.446G>A (p.Arg149Gln)

Gene: ITGA7 (integrin subunit alpha 7; minus strand). Cytogenetic location: 12q13.2.
Variant type: single nucleotide variant.
Coding change: c.446G>A on transcript NM_002206.3 (MANE Select); coding-DNA position 446, G replaced by A.
Protein change: p.Arg149Gln; replaces arginine 149 with glutamine.
Molecular consequence: missense variant. On other transcripts: 5 prime UTR variant (1).
Genome position (GRCh38, 1-based): chr12:55,701,123, C>T on the plus strand (G>A on the coding strand, the complement: ITGA7 is on the minus strand). VCF-style: chr12-55701123-C-T. GRCh37 (hg19) VCF-style: chr12-56094907-C-T.
Other names: c.446G>A, p.Arg149Gln (NM_001144996.2, NM_001374465.1, NM_001410977.1 and 5 more transcripts); c.155G>A, p.Arg52Gln (NM_001144997.2); c.107G>A, p.Arg36Gln (NM_001367993.1, NM_001414035.1); c.-727G>A (NM_001367994.1); short protein forms R36Q, R52Q, R149Q.
Identifiers: ClinVar variation 957098 (VCV000957098.11), dbSNP rs758978382, ClinGen allele CA6616308.

ClinVar aggregate classification (germline): Uncertain significance. Review status: criteria provided, multiple submitters, no conflicts (2 of 4 stars). 3 submissions from 3 submitters: Uncertain significance (3). Last evaluated 2023-08-10.

Conditions:
Congenital muscular dystrophy due to integrin alpha-7 deficiency. Also called: MYOPATHY, CONGENITAL, DUE TO INTEGRIN ALPHA-7 DEFICIENCY; Congenital muscular dystrophy with integrin alpha-7 deficiency; Muscular dystrophy, congenital, due to ITGA7 deficiency. Identifiers: Orphanet 34520, MedGen C2750786, MONDO:0013177, OMIM 613204.

Allele frequency attached by ClinVar (database versions not stated): gnomAD 0.00001; TOPMed 0.00001.

Submissions (3):

Labcorp Genetics (formerly Invitae), Labcorp
Classification: Uncertain significance for Congenital muscular dystrophy due to integrin alpha-7 deficiency. Last evaluated: 2023-08-10. Review status: criteria provided, single submitter. Criteria: Invitae Variant Classification Sherloc (09022015). Collection method: clinical testing. Allele origin: germline.
Comment: In summary, the available evidence is currently insufficient to determine the role of this variant in disease. Therefore, it has been classified as a Variant of Uncertain Significance. An algorithm developed to predict the effect of missense changes on protein structure and function (PolyPhen-2) suggests that this variant is likely to be disruptive. ClinVar contains an entry for this variant (Variation ID: 957098). This variant has not been reported in the literature in individuals affected with ITGA7-related conditions. This variant is present in population databases (rs758978382, gnomAD 0.0009%). This sequence change replaces arginine, which is basic and polar, with glutamine, which is neutral and polar, at codon 149 of the ITGA7 protein (p.Arg149Gln).

Ambry Genetics
Classification: Uncertain significance. Last evaluated: 2022-07-26. Review status: criteria provided, single submitter. Criteria: Ambry Variant Classification Scheme 2023. Collection method: clinical testing. Allele origin: germline.

Revvity Omics, Revvity
Classification: Uncertain significance for Congenital muscular dystrophy due to integrin alpha-7 deficiency. Last evaluated: 2019-11-14. Review status: criteria provided, single submitter. Criteria: ACMG Guidelines, 2015. Collection method: clinical testing. Allele origin: germline.